The following is an entry in ClinVar:

NM_001384140.1(PCDH15):c.3544del (p.Arg1182fs)

Gene: PCDH15 (protocadherin related 15; minus strand). Cytogenetic location: 10q21.1.
Variant type: Deletion.
Coding change: c.3544del on transcript NM_001384140.1 (MANE Select); coding-DNA position 3544, one base deleted (A; older notation c.3544delA).
Protein change: p.Arg1182fs; shifts the reading frame from arginine 1182.
Molecular consequence: frameshift variant.
Genome position (GRCh38, 1-based): chr10:53,866,815, T deleted on the plus strand (A on the coding strand, the reverse complement: PCDH15 is on the minus strand). VCF-style (leftmost placement, unchanged base first): chr10-53866814-CT-C. GRCh37 (hg19) VCF-style: chr10-55626574-CT-C.
Other names: c.3559del, p.Arg1187fs (NM_001142763.2, NM_001142771.2); c.3544del, p.Arg1182fs (NM_001142764.2, NM_001142766.2, NM_001142770.3 and 4 more transcripts); c.3331del, p.Arg1111fs (NM_001142765.2); c.3433del, p.Arg1145fs (NM_001142767.2); c.3478del, p.Arg1160fs (NM_001142768.2, NM_001142773.2, NM_001354404.2); c.3580delA, p.Arg1194Aspfs (NM_001142769.4); c.3565del, p.Arg1189fs (NM_001354411.2); short protein forms R1145fs, R1194fs, R1111fs, R1187fs, R1160fs, R1182fs, R1189fs.
Identifiers: ClinVar variation 2031851 (VCV002031851.4), dbSNP rs2493338396, ClinGen allele CA2580081618.
Genomic context (GRCh38, chr10:53,866,814, plus strand): 5'-CCTGTATATGTTTCCACTACAAATCCTTCTTTTCCCTCTTTAATTGGTGGTATTATGAGT[CT>C]GTAGGCCATGACACTATAATTGCCAGTATCTTTATCAGTAGCCTAGACGGAGGGGAAAAA-3'

ClinVar aggregate classification (germline): Pathogenic (1 of 4 stars; one submission).

Submission:

Labcorp Genetics (formerly Invitae), Labcorp
Classification: Pathogenic. Last evaluated: 2022-08-09. Review status: criteria provided, single submitter. Criteria: Invitae Variant Classification Sherloc (09022015). Collection method: clinical testing. Allele origin: germline.
Comment: For these reasons, this variant has been classified as Pathogenic. This variant has not been reported in the literature in individuals affected with PCDH15-related conditions. This variant is not present in population databases (gnomAD no frequency). This sequence change creates a premature translational stop signal (p.Arg1182Aspfs*3) in the PCDH15 gene. It is expected to result in an absent or disrupted protein product. Loss-of-function variants in PCDH15 are known to be pathogenic (PMID: 11398101, 11487575, 14570705).

Literature cited by the submitters: PubMed 11398101; PubMed 11487575; PubMed 14570705.